The following is an entry in ClinVar:

NM_001347721.2(DYRK1A):c.1007G>A (p.Trp336Ter)

Gene: DYRK1A (dual specificity tyrosine phosphorylation regulated kinase 1A; plus strand). Cytogenetic location: 21q22.13.
Variant type: single nucleotide variant.
Coding change: c.1007G>A on transcript NM_001347721.2 (MANE Select); coding-DNA position 1007, G replaced by A.
Protein change: p.Trp336Ter; replaces tryptophan 336 with a stop codon.
Molecular consequence: nonsense.
Genome position (GRCh38, 1-based): chr21:37,493,099, G>A. VCF-style: chr21-37493099-G-A. GRCh37 (hg19) VCF-style: chr21-38865401-G-A.
Other names: c.1007G>A, p.Trp336Ter (NM_001347722.2, NM_130436.2); c.920G>A, p.Trp307Ter (NM_001347723.2); c.1034G>A, p.Trp345Ter (NM_001396.5, NM_101395.2, NM_130438.2); short protein forms W307*, W336*, W345*.
Identifiers: ClinVar variation 3393028 (VCV003393028.2).
Genomic context (GRCh38, chr21:37,493,099, plus strand): 5'-GCTTTTATCGGTCTCCAGAGGTGCTACTGGGAATGCCTTATGACCTTGCCATTGATATGT[G>A]GTCCCTCGGGTGTATTTTGGTTGAAATGCACACTGGAGAACCTCTGTTCAGTGGTGCCAA-3'

ClinVar aggregate classification (germline): Pathogenic (1 of 4 stars; one submission).

Conditions:
DYRK1A-related intellectual disability syndrome (MRD7). Also called: DYRK1A Syndrome; Intellectual developmental disorder, autosomal dominant 7. Identifiers: Orphanet 464306, MedGen C5568143, MONDO:0013578, OMIM 614104.

Submission:

Diagnostic Laboratory, Strasbourg University Hospital
Classification: Pathogenic for DYRK1A-related intellectual disability syndrome. Last evaluated: 2024-12-23. Review status: criteria provided, single submitter. Criteria: submitter's publication. Collection method: clinical testing. Allele origin: de novo. Inheritance: Autosomal dominant inheritance. Affected: yes. Observed: 1 heterozygote.
Comment: The variant lads to a truncated protein. It occurred de novo

Literature cited by the submitters: PubMed 38030819.